The following is an entry in ClinVar:

NM_032603.5(LOXL3):c.980C>T (p.Thr327Ile)

Gene: LOXL3 (lysyl oxidase like 3; minus strand). Cytogenetic location: 2p13.1.
Variant type: single nucleotide variant.
Coding change: c.980C>T on transcript NM_032603.5 (MANE Select); coding-DNA position 980, C replaced by T.
Protein change: p.Thr327Ile; replaces threonine 327 with isoleucine.
Molecular consequence: missense variant. On other transcripts: 5 prime UTR variant (1).
Genome position (GRCh38, 1-based): chr2:74,536,404, G>A on the plus strand (C>T on the coding strand, the complement: LOXL3 is on the minus strand). VCF-style: chr2-74536404-G-A. GRCh37 (hg19) VCF-style: chr2-74763531-G-A.
Other names: c.545C>T, p.Thr182Ile (NM_001289164.3); c.-104C>T (NM_001289165.2); short protein forms T327I, T182I.
Identifiers: ClinVar variation 1377290 (VCV001377290.6), dbSNP rs2104398653, ClinGen allele CA347390299.

ClinVar aggregate classification (germline): Uncertain significance (1 of 4 stars; one submission).

Submission:

Labcorp Genetics (formerly Invitae), Labcorp
Classification: Uncertain significance. Last evaluated: 2023-10-03. Review status: criteria provided, single submitter. Criteria: Invitae Variant Classification Sherloc (09022015). Collection method: clinical testing. Allele origin: germline.
Comment: This sequence change replaces threonine, which is neutral and polar, with isoleucine, which is neutral and non-polar, at codon 327 of the LOXL3 protein (p.Thr327Ile). This variant is not present in population databases (gnomAD no frequency). This variant has not been reported in the literature in individuals affected with LOXL3-related conditions. ClinVar contains an entry for this variant (Variation ID: 1377290). An algorithm developed to predict the effect of missense changes on protein structure and function (PolyPhen-2) suggests that this variant is likely to be tolerated. In summary, the available evidence is currently insufficient to determine the role of this variant in disease. Therefore, it has been classified as a Variant of Uncertain Significance.